The following is an entry in ClinVar:

ClinVar aggregate classification (germline): Uncertain significance (1 of 4 stars; one submission).

Conditions:
Mitochondrial hypertrophic cardiomyopathy with lactic acidosis due to MTO1 deficiency. Also called: Combined oxidative phosphorylation deficiency 10; CARDIOMYOPATHY, INFANTILE HYPERTROPHIC MITOCHONDRIAL, AND LACTIC ACIDOSIS. Identifiers: Orphanet 314637, MedGen C4749921, MONDO:0013865, OMIM 614702.

Submission:

Labcorp Genetics (formerly Invitae), Labcorp
Classification: Uncertain significance for Mitochondrial hypertrophic cardiomyopathy with lactic acidosis due to MTO1 deficiency. Last evaluated: 2021-04-23. Review status: criteria provided, single submitter. Criteria: Invitae Variant Classification Sherloc (09022015). Collection method: clinical testing. Allele origin: germline.
Comment: In summary, the available evidence is currently insufficient to determine the role of this variant in disease. Therefore, it has been classified as a Variant of Uncertain Significance. Algorithms developed to predict the effect of missense changes on protein structure and function are either unavailable or do not agree on the potential impact of this missense change (SIFT: "Tolerated"; PolyPhen-2: "Probably Damaging"; Align-GVGD: "Class C0"). This variant has not been reported in the literature in individuals with MTO1-related conditions. This variant is not present in population databases (ExAC no frequency). This sequence change replaces tryptophan with serine at codon 273 of the MTO1 protein (p.Trp273Ser). The tryptophan residue is moderately conserved and there is a large physicochemical difference between tryptophan and serine.

NM_012123.4(MTO1):c.818G>C (p.Trp273Ser)

Gene: MTO1 (mitochondrial tRNA translation optimization 1; plus strand). Cytogenetic location: 6q13.
Variant type: single nucleotide variant.
Coding change: c.818G>C on transcript NM_012123.4 (MANE Select); coding-DNA position 818, G replaced by C.
Protein change: p.Trp273Ser; replaces tryptophan 273 with serine.
Molecular consequence: missense variant.
Genome position (GRCh38, 1-based): chr6:73,473,647, G>C. VCF-style: chr6-73473647-G-C. GRCh37 (hg19) VCF-style: chr6-74183370-G-C.
Other names: c.818G>C, p.Trp273Ser (NM_001123226.2, NM_133645.3); short protein forms W273S.
Identifiers: ClinVar variation 1347775 (VCV001347775.8), dbSNP rs2150031602, ClinGen allele CA364714122.